The following is an entry in ClinVar:

NM_001378477.3(NYX):c.905T>C (p.Leu302Pro)

Gene: NYX (nyctalopin; plus strand). Cytogenetic location: Xp11.4.
Variant type: single nucleotide variant.
Coding change: c.905T>C on transcript NM_001378477.3 (MANE Select); coding-DNA position 905, T replaced by C.
Protein change: p.Leu302Pro; replaces leucine 302 with proline.
Molecular consequence: missense variant.
Genome position (GRCh38, 1-based): chrX:41,474,373, T>C. VCF-style: chrX-41474373-T-C. GRCh37 (hg19) VCF-style: chrX-41333626-T-C.
Other names: c.905T>C, p.Leu302Pro (NM_022567.3); short protein forms L302P.
Identifiers: ClinVar variation 2737209 (VCV002737209.3), dbSNP rs2519608336, ClinGen allele CA412991686.
Genomic context (GRCh38, chrX:41,474,373, plus strand): 5'-GCAACAGCATCGCCTTCGTGGAGGAGGGCGCCTTCCAGAACCTCTCGGGTCTCCTCGCGC[T>C]GCACCTCAACGGCAACCGCCTCACCGTGCTCGCCTGGGTCGCCTTCCAGCCCGGCTTCTT-3'
Protein context (NP_001365406.2, residues 292-312): AFQNLSGLLA[Leu302Pro]HLNGNRLTVL

ClinVar aggregate classification (germline): Uncertain significance (1 of 4 stars; one submission).

Submission:

Labcorp Genetics (formerly Invitae), Labcorp
Classification: Uncertain significance. Last evaluated: 2023-07-21. Review status: criteria provided, single submitter. Criteria: Invitae Variant Classification Sherloc (09022015). Collection method: clinical testing. Allele origin: germline.
Comment: Advanced modeling of protein sequence and biophysical properties (such as structural, functional, and spatial information, amino acid conservation, physicochemical variation, residue mobility, and thermodynamic stability) performed at Invitae indicates that this missense variant is expected to disrupt NYX protein function. This missense change has been observed in individual(s) with X-linked congenital stationary night blindness (PMID: 11062472). This variant is not present in population databases (gnomAD no frequency). This sequence change replaces leucine, which is neutral and non-polar, with proline, which is neutral and non-polar, at codon 307 of the NYX protein (p.Leu307Pro). This variant disrupts the p.Leu307 amino acid residue in NYX. Other variant(s) that disrupt this residue have been observed in individuals with NYX-related conditions (PMID: 28559085), which suggests that this may be a clinically significant amino acid residue. In summary, the available evidence is currently insufficient to determine the role of this variant in disease. Therefore, it has been classified as a Variant of Uncertain Significance.

Literature cited by the submitters: PubMed 11062472; PubMed 28559085.